The following is an entry in ClinVar:

NM_000702.4(ATP1A2):c.739T>G (p.Cys247Gly)

Genes: ATP1A2 (ATPase Na+/K+ transporting subunit alpha 2; plus strand), LOC126805890 (CDK7 strongly-dependent group 2 enhancer GRCh37_chr1:160093987-160095186; plus strand). Cytogenetic location: 1q23.2.
Variant type: single nucleotide variant.
Coding change: c.739T>G on transcript NM_000702.4 (MANE Select); coding-DNA position 739, T replaced by G.
Protein change: p.Cys247Gly; replaces cysteine 247 with glycine.
Molecular consequence: missense variant.
Genome position (GRCh38, 1-based): chr1:160,125,244, T>G. VCF-style: chr1-160125244-T-G. GRCh37 (hg19) VCF-style: chr1-160095034-T-G.
Other names: short protein forms C247G.
Identifiers: ClinVar variation 3234234 (VCV003234234.20), dbSNP rs2524859542, ClinGen allele CA343235638.

ClinVar aggregate classification (germline): Uncertain significance (1 of 4 stars; one submission).

Submission:

CeGaT Center for Human Genetics Tuebingen
Classification: Uncertain significance. Last evaluated: 2024-04-01. Review status: criteria provided, single submitter. Criteria: CeGaT Center For Human Genetics Tuebingen Variant Classification Criteria Version 2. Collection method: clinical testing. Allele origin: germline. Affected: yes. Observed: 1 variant allele.
Comment: ATP1A2: PM2, PP3